The following is an entry in ClinVar:

ClinVar aggregate classification (germline): Pathogenic (1 of 4 stars; one submission).

Submission:

Labcorp Genetics (formerly Invitae), Labcorp
Classification: Pathogenic. Last evaluated: 2022-04-18. Review status: criteria provided, single submitter. Criteria: Invitae Variant Classification Sherloc (09022015). Collection method: clinical testing. Allele origin: germline.
Comment: This variant is a gross deletion of the genomic region encompassing exon(s) 7-23 of the LOXHD1 gene. This deletion is out-of-frame, and is expected to create a premature termination codon and result in an absent or disrupted protein product. Loss-of-function variants in LOXHD1 are known to be pathogenic (PMID: 19732867, 21465660, 25792669). This variant has not been reported in the literature in individuals affected with LOXHD1-related conditions. For these reasons, this variant has been classified as Pathogenic.

Literature cited by the submitters: PubMed 19732867; PubMed 21465660; PubMed 25792669.

NC_000018.9:g.(?_44125270)_(44184202_?)del

Gene: LOXHD1 (lipoxygenase homology PLAT domains 1; minus strand). Cytogenetic location: 18q21.1.
Variant type: Deletion.
Identifiers: ClinVar variation 2427298 (VCV002427298.3).